The following is an entry in ClinVar:

NM_003052.5(SLC34A1):c.643C>T (p.Arg215Trp)

Gene: SLC34A1 (solute carrier family 34 member 1; plus strand). Cytogenetic location: 5q35.3.
Variant type: single nucleotide variant.
Coding change: c.643C>T on transcript NM_003052.5 (MANE Select); coding-DNA position 643, C replaced by T.
Protein change: p.Arg215Trp; replaces arginine 215 with tryptophan.
Molecular consequence: missense variant.
Genome position (GRCh38, 1-based): chr5:177,387,872, C>T. VCF-style: chr5-177387872-C-T. GRCh37 (hg19) VCF-style: chr5-176814873-C-T.
Other names: c.643C>T, p.Arg215Trp (NM_001167579.2); short protein forms R215W.
Identifiers: ClinVar variation 4987146 (VCV004987146.1).

ClinVar aggregate classification (germline): Uncertain significance (1 of 4 stars; one submission).

Conditions:
SLC34A1-related disorder. Also called: SLC34A1-related condition; SLC34A1-related disorders.

Submission:

PreventionGenetics, part of Exact Sciences
Classification: Uncertain significance for SLC34A1-related condition. Last evaluated: 2026-06-15. Review status: criteria provided, single submitter. Criteria: ACMG Guidelines, 2015. Collection method: clinical testing. Allele origin: germline.
Comment: The SLC34A1 c.643C>T variant is predicted to result in the amino acid substitution p.Arg215Trp. Based on available splicing prediction programs (Alamut Visual Plus v1.13; SpliceAI, Jaganathan et al. 2019. PubMed ID: 30661751), this variant is predicted to weaken the canonical splice donor site; however, the use of computer prediction programs is not equivalent to functional evidence. To our knowledge, this variant has not been reported in the literature. A different missense substitution at the same amino acid position (c.644G>A, p.Arg215Gln) has been reported in the homozygous state in an individual with congenital nephrocalcinosis (Dinour et al. 2016. PubMed ID: 27378183). Several family members, with or without a history of nephrolithiasis, were found to be heterozygous carriers of this mutation; however, proband's grandmother with a history of kidney stones tested negative for the familial variant (Dinour et al. 2016. PubMed ID: 27378183). The c.643C>T (p.Arg215Trp) variant is reported in 0.015% of alleles in individuals of European (Non-Finnish) descent in gnomAD. At this time, the clinical significance of this variant is uncertain due to the absence of conclusive functional and genetic evidence.